The following is an entry in ClinVar:

NM_021625.5(TRPV4):c.1766C>T (p.Ala589Val)

Gene: TRPV4 (transient receptor potential cation channel subfamily V member 4; minus strand). Cytogenetic location: 12q24.11.
Variant type: single nucleotide variant.
Coding change: c.1766C>T on transcript NM_021625.5 (MANE Select); coding-DNA position 1766, C replaced by T.
Protein change: p.Ala589Val; replaces alanine 589 with valine.
Molecular consequence: missense variant.
Genome position (GRCh38, 1-based): chr12:109,792,710, G>A on the plus strand (C>T on the coding strand, the complement: TRPV4 is on the minus strand). VCF-style: chr12-109792710-G-A. GRCh37 (hg19) VCF-style: chr12-110230515-G-A.
Other names: c.1664C>T, p.Ala555Val (NM_001177431.2); c.1445C>T, p.Ala482Val (NM_001177433.2); c.1586C>T, p.Ala529Val (NM_147204.3); c.1625C>T, p.Ala542Val (NM_001177428.2); short protein forms A542V, A482V, A589V, A529V, A555V.
Identifiers: ClinVar variation 1779686 (VCV001779686.2), dbSNP rs2548726743, ClinGen allele CA386652272.

ClinVar aggregate classification (germline): Uncertain significance (1 of 4 stars; one submission).

Conditions:
Inborn genetic diseases. Identifiers: MedGen C0950123, MeSH D030342.

Submission:

Ambry Genetics
Classification: Uncertain significance for Inborn genetic diseases. Last evaluated: 2022-01-04. Review status: criteria provided, single submitter. Criteria: Ambry Variant Classification Scheme 2023. Collection method: clinical testing. Allele origin: germline.
Comment: The p.A589V variant (also known as c.1766C>T), located in coding exon 10 of the TRPV4 gene, results from a C to T substitution at nucleotide position 1766. The alanine at codon 589 is replaced by valine, an amino acid with similar properties. This amino acid position is conserved. In addition, this alteration is predicted to be deleterious by in silico analysis. Since supporting evidence is limited at this time, the clinical significance of this alteration remains unclear.